The following is an entry in ClinVar:

ClinVar aggregate classification (germline): Uncertain significance (1 of 4 stars; one submission).

gnomAD v4.1: 2 of 1,614,014 alleles (0.00012%); highest among the groups gnomAD compares: African/African-American, 0.0027%; no homozygotes.

Submission:

Women's Health and Genetics/Laboratory Corporation of America, LabCorp
Classification: Uncertain significance. Last evaluated: 2025-03-31. Review status: criteria provided, single submitter. Criteria: LabCorp Variant Classification Summary - May 2015. Collection method: clinical testing. Allele origin: germline.
Comment: Variant summary: MMAB c.260G>T (p.Gly87Val) results in a non-conservative amino acid change in the encoded protein sequence. Five of five in-silico tools predict a damaging effect of the variant on protein function. The variant allele was found at a frequency of 4e-06 in 251494 control chromosomes. c.260G>T has been reported in the literature in an individual affected with Methylmalonic Acidemia (Pajares_2021). These data indicate that the variant may be associated with disease. To our knowledge, no experimental evidence demonstrating an impact on protein function has been reported. The following publication has been ascertained in the context of this evaluation (PMID: 33931066). No submitters have cited clinical-significance assessments for this variant to ClinVar. Based on the evidence outlined above, the variant was classified as VUS-possibly pathogenic.

Literature cited by the submitters: PubMed 33931066.

NM_052845.4(MMAB):c.260G>T (p.Gly87Val)

Gene: MMAB (metabolism of cobalamin associated B; minus strand). Cytogenetic location: 12q24.11.
Variant type: single nucleotide variant.
Coding change: c.260G>T on transcript NM_052845.4 (MANE Select); coding-DNA position 260, G replaced by T.
Protein change: p.Gly87Val; replaces glycine 87 with valine.
Molecular consequence: missense variant. On other transcripts: non-coding transcript variant (1).
Genome position (GRCh38, 1-based): chr12:109,568,800, C>A on the plus strand (G>T on the coding strand, the complement: MMAB is on the minus strand). VCF-style: chr12-109568800-C-A. GRCh37 (hg19) VCF-style: chr12-110006605-C-A.
Other names: short protein forms G87V.
Identifiers: ClinVar variation 3895865 (VCV003895865.1).